The following is an entry in ClinVar:

ClinVar aggregate classification (germline): Uncertain significance. Review status: criteria provided, multiple submitters, no conflicts (2 of 4 stars). 2 submissions from 2 submitters: Uncertain significance (2). Last evaluated 2024-12-09.

Allele frequency attached by ClinVar (database versions not stated): gnomAD exomes 0.00004; gnomAD 0.00005.
gnomAD v4.1: 65 of 1,551,056 alleles (0.0042%); highest among the groups gnomAD compares: Admixed American, 0.0079%; no homozygotes.

Submissions (2):

Ambry Genetics
Classification: Uncertain significance. Last evaluated: 2024-12-09. Review status: criteria provided, single submitter. Criteria: Ambry Variant Classification Scheme 2023. Collection method: clinical testing. Allele origin: germline.

Labcorp Genetics (formerly Invitae), Labcorp
Classification: Uncertain significance. Last evaluated: 2022-07-19. Review status: criteria provided, single submitter. Criteria: Invitae Variant Classification Sherloc (09022015). Collection method: clinical testing. Allele origin: germline.
Comment: This sequence change replaces arginine, which is basic and polar, with tryptophan, which is neutral and slightly polar, at codon 11 of the KPNA7 protein (p.Arg11Trp). This variant is present in population databases (rs757085194, gnomAD 0.02%). This variant has not been reported in the literature in individuals affected with KPNA7-related conditions. ClinVar contains an entry for this variant (Variation ID: 961312). Algorithms developed to predict the effect of missense changes on protein structure and function are either unavailable or do not agree on the potential impact of this missense change (SIFT: "Deleterious"; PolyPhen-2: "Possibly Damaging"; Align-GVGD: "Class C0"). In summary, the available evidence is currently insufficient to determine the role of this variant in disease. Therefore, it has been classified as a Variant of Uncertain Significance.

NM_001145715.3(KPNA7):c.31C>T (p.Arg11Trp)

Gene: KPNA7 (karyopherin subunit alpha 7; minus strand). Cytogenetic location: 7q22.1.
Variant type: single nucleotide variant.
Coding change: c.31C>T on transcript NM_001145715.3 (MANE Select); coding-DNA position 31, C replaced by T.
Protein change: p.Arg11Trp; replaces arginine 11 with tryptophan.
Molecular consequence: missense variant.
Genome position (GRCh38, 1-based): chr7:99,207,436, G>A on the plus strand (C>T on the coding strand, the complement: KPNA7 is on the minus strand). VCF-style: chr7-99207436-G-A. GRCh37 (hg19) VCF-style: chr7-98805059-G-A.
Other names: short protein forms R11W.
Identifiers: ClinVar variation 961312 (VCV000961312.6), dbSNP rs757085194, ClinGen allele CA163748068.